The following is an entry in ClinVar:

ClinVar aggregate classification (germline): Likely benign (1 of 4 stars; one submission).

Conditions:
PLXNA1-related disorder. Also called: PLXNA1-related condition.

gnomAD v4.1: 12 of 1,592,750 alleles (0.00075%); highest among the groups gnomAD compares: South Asian, 0.0033%; no homozygotes.

Submission:

PreventionGenetics, part of Exact Sciences
Classification: Likely benign for PLXNA1-related condition. Last evaluated: 2026-06-17. Review status: criteria provided, single submitter. Criteria: ACMG Guidelines, 2015. Collection method: clinical testing. Allele origin: germline.
Comment: This variant is classified as likely benign based on ACMG/AMP sequence variant interpretation guidelines (Richards et al. 2015 PMID: 25741868, with internal and published modifications).

NM_032242.4(PLXNA1):c.2112+10G>A

Gene: PLXNA1 (plexin A1; plus strand). Cytogenetic location: 3q21.3.
Variant type: single nucleotide variant.
Coding change: c.2112+10G>A on transcript NM_032242.4 (MANE Select); 10 bases into the intron after coding-DNA position 2112, G replaced by A.
Molecular consequence: intron variant.
Genome position (GRCh38, 1-based): chr3:127,007,923, G>A. VCF-style: chr3-127007923-G-A. GRCh37 (hg19) VCF-style: chr3-126726766-G-A.
Identifiers: ClinVar variation 4987289 (VCV004987289.1).
Genomic context (GRCh38, chr3:127,007,923, plus strand): 5'-CACAACGTGGCTGACTGCGCCTTCCTGGAGGGCCGTGTCAACGTGTCTGAGGTAAGGCCG[G>A]GCAAGGGTGAGGGTCAGGTTTTCAGAGGTGGAGCAGAACTGGGTTGAGACATCCCATCTG-3'